The following is an entry in ClinVar:

NM_006946.4(SPTBN2):c.976G>A (p.Val326Met)

Gene: SPTBN2 (spectrin beta, non-erythrocytic 2; minus strand). Cytogenetic location: 11q13.2.
Variant type: single nucleotide variant.
Coding change: c.976G>A on transcript NM_006946.4 (MANE Select); coding-DNA position 976, G replaced by A.
Protein change: p.Val326Met; replaces valine 326 with methionine.
Molecular consequence: missense variant.
Genome position (GRCh38, 1-based): chr11:66,710,679, C>T on the plus strand (G>A on the coding strand, the complement: SPTBN2 is on the minus strand). VCF-style: chr11-66710679-C-T. GRCh37 (hg19) VCF-style: chr11-66478150-C-T.
Other names: c.997G>A, p.Val333Met (NM_001411025.1); short protein forms V326M, V333M.
Identifiers: ClinVar variation 3571871 (VCV003571871.2).

ClinVar aggregate classification (germline): Uncertain significance. Review status: criteria provided, multiple submitters, no conflicts (2 of 4 stars). 2 submissions from 2 submitters: Uncertain significance (2). Last evaluated 2025-08-07.

gnomAD v4.1: 42 of 1,614,062 alleles (0.0026%); highest among the groups gnomAD compares: East Asian, 0.011%; no homozygotes.

Submissions (2):

GeneDx
Classification: Uncertain significance. Last evaluated: 2025-08-07. Review status: criteria provided, single submitter. Criteria: GeneDx Variant Classification Process June 2021. Collection method: clinical testing. Allele origin: germline. Affected: yes.
Comment: In silico analysis suggests that this missense variant does not alter protein structure/function; Has not been previously published as pathogenic or benign to our knowledge

Athena Diagnostics
Classification: Uncertain significance. Last evaluated: 2024-11-07. Review status: criteria provided, single submitter. Criteria: Athena Diagnostics Criteria. Collection method: clinical testing. Allele origin: unknown.
Comment: Available data are insufficient to determine the clinical significance of the variant at this time. The frequency of this variant in the general population is uninformative in assessment of its pathogenicity. Polyphen and MutationTaster yielded discordant predictions regarding whether this amino acid change is damaging to the protein.